The following is an entry in ClinVar:

ClinVar aggregate classification (germline): Uncertain significance (1 of 4 stars; one submission).

Submission:

GeneDx
Classification: Uncertain significance. Last evaluated: 2023-04-18. Review status: criteria provided, single submitter. Criteria: GeneDx Variant Classification Process June 2021. Collection method: clinical testing. Allele origin: germline. Affected: yes.
Comment: Not observed at significant frequency in large population cohorts (gnomAD); In silico analysis supports that this variant does not alter splicing; Has not been previously published as pathogenic or benign to our knowledge

NM_001270.4(CHD1):c.4576+5G>A

Gene: CHD1 (chromodomain helicase DNA binding protein 1; minus strand). Cytogenetic location: 5q15.
Variant type: single nucleotide variant.
Coding change: c.4576+5G>A on transcript NM_001270.4 (MANE Select); 5 bases into the intron after coding-DNA position 4576, G replaced by A.
Molecular consequence: intron variant.
Genome position (GRCh38, 1-based): chr5:98,858,959, C>T on the plus strand (G>A on the coding strand, the complement: CHD1 is on the minus strand). VCF-style: chr5-98858959-C-T. GRCh37 (hg19) VCF-style: chr5-98194663-C-T.
Other names: c.4576+5G>A (NM_001376194.2); c.4840+5G>A (NM_001364113.3).
Identifiers: ClinVar variation 2663747 (VCV002663747.1), dbSNP rs2479338399, ClinGen allele CA2695198708.